The following is an entry in ClinVar:

ClinVar aggregate classification (germline): Uncertain significance (1 of 4 stars; one submission).

Conditions:
Combined immunodeficiency due to LRBA deficiency. Also called: Common variable immunodeficiency 8, with autoimmunity. Identifiers: Orphanet 445018, MedGen C3553512, MONDO:0013863, OMIM 614700.

Allele frequency attached by ClinVar (database versions not stated): gnomAD exomes below 0.00001 and 0.00001; ExAC 0.00001; gnomAD 0.00001.
gnomAD v4.1: 8 of 1,612,606 alleles (0.0005%); highest among the groups gnomAD compares: East Asian, 0.0045%; no homozygotes.

Submission:

Labcorp Genetics (formerly Invitae), Labcorp
Classification: Uncertain significance for Combined immunodeficiency due to LRBA deficiency. Last evaluated: 2022-03-19. Review status: criteria provided, single submitter. Criteria: Invitae Variant Classification Sherloc (09022015). Collection method: clinical testing. Allele origin: germline.
Comment: This sequence change replaces histidine, which is basic and polar, with arginine, which is basic and polar, at codon 2335 of the LRBA protein (p.His2335Arg). This variant is present in population databases (rs765859987, gnomAD 0.01%). This variant has not been reported in the literature in individuals affected with LRBA-related conditions. Algorithms developed to predict the effect of missense changes on protein structure and function are either unavailable or do not agree on the potential impact of this missense change (SIFT: "Tolerated"; PolyPhen-2: "Possibly Damaging"; Align-GVGD: "Class C0"). In summary, the available evidence is currently insufficient to determine the role of this variant in disease. Therefore, it has been classified as a Variant of Uncertain Significance.

NM_001364905.1(LRBA):c.6971A>G (p.His2324Arg)

Gene: LRBA (LPS responsive beige-like anchor protein; minus strand). Cytogenetic location: 4q31.3.
Variant type: single nucleotide variant.
Coding change: c.6971A>G on transcript NM_001364905.1 (MANE Select); coding-DNA position 6971, A replaced by G.
Protein change: p.His2324Arg; replaces histidine 2324 with arginine.
Molecular consequence: missense variant.
Genome position (GRCh38, 1-based): chr4:150,435,659, T>C on the plus strand (A>G on the coding strand, the complement: LRBA is on the minus strand). VCF-style: chr4-150435659-T-C. GRCh37 (hg19) VCF-style: chr4-151356811-T-C.
Other names: c.7004A>G, p.His2335Arg (NM_006726.5); c.6971A>G, p.His2324Arg (NM_001199282.3, NM_001367550.1); short protein forms H2324R, H2335R.
Identifiers: ClinVar variation 1382442 (VCV001382442.5), dbSNP rs765859987, ClinGen allele CA3101765.
Genomic context (GRCh38, chr4:150,435,659, plus strand): 5'-GAGGTATCACGCTGACTGTTTCGCCAAGCTCTGGAAATTGATGAAAAAGTTCGATCTGCA[T>C]GATCAAATTTGCCTCCTTGCAAATTTAGGAAATAAGTTGTAAAGGGTTCCTAAAAAATAG-3'
Protein context (NP_001351834.1, residues 2314-2334): FLNLQGGKFD[His2324Arg]ADRTFSSISR